The following is an entry in ClinVar:

NM_000520.6(HEXA):c.803del (p.Pro268fs)

Gene: HEXA (hexosaminidase subunit alpha; minus strand). Cytogenetic location: 15q23.
Variant type: Deletion.
Coding change: c.803del on transcript NM_000520.6 (MANE Select); coding-DNA position 803, one base deleted (C; older notation c.803delC).
Protein change: p.Pro268fs; shifts the reading frame from proline 268.
Molecular consequence: frameshift variant. On other transcripts: non-coding transcript variant (1).
Genome position (GRCh38, 1-based): chr15:72,350,520, G deleted on the plus strand (C on the coding strand, the reverse complement: HEXA is on the minus strand); the first of 2 consecutive G bases (chr15:72,350,520-72,350,521); deleting either gives the same sequence. VCF-style (leftmost placement, unchanged base first): chr15-72350519-TG-T. GRCh37 (hg19) VCF-style: chr15-72642860-TG-T.
Other names: c.836del, p.Pro279fs (NM_001318825.2); short protein forms P268fs, P279fs.
Identifiers: ClinVar variation 4814275 (VCV004814275.1).
Genomic context (GRCh38, chr15:72,350,519, plus strand): 5'-TGAAGCTTCACTCTGAGCATAACAAGCAGAGTCCCTCTGGTCCCAGACATCATTCTTACC[TG>T]GTCCCCAGGACAAAGTGTGGCCAGGAGTGTCAAACTCTGCAAGCACACGGATACCCCGGA-3'

ClinVar aggregate classification (germline): Likely pathogenic (1 of 4 stars; one submission).

Conditions:
Tay-Sachs disease (TSD). Also called: HEXA DEFICIENCY; HEXA Disorders; GM2 gangliosidosis, type 1; Hexosaminidase alpha-subunit deficiency (variant B); Sphingolipidosis, Tay-Sachs; Hexosaminidase A Deficiency. Identifiers: Orphanet 845, MedGen C0039373, MONDO:0010100, OMIM 272800.

Submission:

Natera, Inc.
Classification: Likely pathogenic for Tay-Sachs disease. Last evaluated: 2025-10-17. Review status: criteria provided, single submitter. Criteria: Natera Variant Classification Schema (03/2026). Collection method: clinical testing. Allele origin: germline.
Comment: The c.803del variant in HEXA is a frameshift variant predicted to shift the reading frame beginning at codon 268 and leads to a stop codon 7 codons downstream. This variant is expected to result in nonsense mediated decay, truncation, or a dysfunctional protein product. This variant is rare in the general population with a frequency below the threshold expected for the associated phenotype(s). Given the available evidence, this variant is classified as Likely Pathogenic.